The following is an entry in ClinVar:

ClinVar aggregate classification (germline): Uncertain significance (1 of 4 stars; one submission).

Allele frequency attached by ClinVar (database versions not stated): gnomAD 0.00002 and 0.00003; gnomAD exomes 0.00003 and 0.00005; TOPMed 0.00003; ExAC 0.00006; 1000 Genomes Project 0.00020; 1000 Genomes Project 30x 0.00031.
gnomAD v4.1: 44 of 1,610,872 alleles (0.0027%); highest among the groups gnomAD compares: Admixed American, 0.025%; no homozygotes.

Submission:

Labcorp Genetics (formerly Invitae), Labcorp
Classification: Uncertain significance. Last evaluated: 2025-12-29. Review status: criteria provided, single submitter. Criteria: Invitae Variant Classification Sherloc (09022015). Collection method: clinical testing. Allele origin: germline.
Comment: This sequence change replaces proline, which is neutral and non-polar, with leucine, which is neutral and non-polar, at codon 327 of the COL9A3 protein (p.Pro327Leu). This variant is present in population databases (rs200272338, gnomAD 0.03%). This variant has not been reported in the literature in individuals affected with COL9A3-related conditions. ClinVar contains an entry for this variant (Variation ID: 1436744). Invitae Evidence Modeling of protein sequence and biophysical properties (such as structural, functional, and spatial information, amino acid conservation, physicochemical variation, residue mobility, and thermodynamic stability) indicates that this missense variant is not expected to disrupt COL9A3 protein function with a negative predictive value of 95%. In summary, the available evidence is currently insufficient to determine the role of this variant in disease. Therefore, it has been classified as a Variant of Uncertain Significance.

NM_001853.4(COL9A3):c.980C>T (p.Pro327Leu)

Gene: COL9A3 (collagen type IX alpha 3 chain; plus strand). Cytogenetic location: 20q13.33.
Variant type: single nucleotide variant.
Coding change: c.980C>T on transcript NM_001853.4 (MANE Select); coding-DNA position 980, C replaced by T.
Protein change: p.Pro327Leu; replaces proline 327 with leucine.
Molecular consequence: missense variant.
Genome position (GRCh38, 1-based): chr20:62,828,948, C>T. VCF-style: chr20-62828948-C-T. GRCh37 (hg19) VCF-style: chr20-61460300-C-T.
Other names: short protein forms P327L.
Identifiers: ClinVar variation 1436744 (VCV001436744.6), dbSNP rs200272338, ClinGen allele CA9949648.
Genomic context (GRCh38, chr20:62,828,948, plus strand): 5'-CCTCCCCTTCCGCACCCCAATCTCTGTCCTCACAGGGAGAGGCTGGTCGCAACGGTGCTC[C>T]GGGAGAGAAGGGCCCCAACGGGCTGCCGGTGAGTGCCCGGCGGGTGGGGCCAGCCTGGGG-3'
Protein context (NP_001844.3, residues 317-337): QKGEAGRNGA[Pro327Leu]GEKGPNGLPG